The following is an entry in ClinVar:

NM_000138.5(FBN1):c.1302T>A (p.Tyr434Ter)

Gene: FBN1 (fibrillin 1; minus strand). Cytogenetic location: 15q21.1.
Variant type: single nucleotide variant.
Coding change: c.1302T>A on transcript NM_000138.5 (MANE Select); coding-DNA position 1302, T replaced by A.
Protein change: p.Tyr434Ter; replaces tyrosine 434 with a stop codon.
Molecular consequence: nonsense.
Genome position (GRCh38, 1-based): chr15:48,516,208, A>T on the plus strand (T>A on the coding strand, the complement: FBN1 is on the minus strand). VCF-style: chr15-48516208-A-T. GRCh37 (hg19) VCF-style: chr15-48808405-A-T.
Other names: short protein forms Y434*.
Identifiers: ClinVar variation 571414 (VCV000571414.9), dbSNP rs1566916969, ClinGen allele CA392345297.

ClinVar aggregate classification (germline): Pathogenic (1 of 4 stars; one submission).

Conditions:
Familial thoracic aortic aneurysm and aortic dissection (TAAD). Also called: Thoracic aortic aneurysms and dissections. Identifiers: Orphanet 91387, MedGen C4707243, MONDO:0019625.
Marfan syndrome (MFS). Also called: FBN1-Related Marfan Syndrome; Marfan syndrome type 1; Marfan's syndrome; Marfan syndrome, classic; MARFAN SYNDROME, TYPE I. Identifiers: Orphanet 284963, Orphanet 558, MedGen C0024796, MONDO:0007947, OMIM 154700.

Submission:

Labcorp Genetics (formerly Invitae), Labcorp
Classification: Pathogenic for Marfan syndrome; Familial thoracic aortic aneurysm and aortic dissection. Last evaluated: 2019-10-22. Review status: criteria provided, single submitter. Criteria: Invitae Variant Classification Sherloc (09022015). Collection method: clinical testing. Allele origin: germline.
Comment: Loss-of-function variants in FBN1 are known to be pathogenic (PMID: 17657824, 19293843). For these reasons, this variant has been classified as Pathogenic. A different nucleotide substitution (c.1302T>G) resulting in the same nonsense variant at this codon (p.Tyr434*) has been reported in an individual with Marfan syndrome or Marfan-related features (PMID: 10464652). This variant has not been reported in the literature in individuals with FBN1-related disease. This variant is not present in population databases (ExAC no frequency). This sequence change creates a premature translational stop signal (p.Tyr434*) in the FBN1 gene. It is expected to result in an absent or disrupted protein product.

Literature cited by the submitters: PubMed 17657824; PubMed 19293843; PubMed 10464652.